The following is an entry in ClinVar:

ClinVar aggregate classification (germline): Conflicting classifications of pathogenicity. Review status: criteria provided, conflicting classifications (1 of 4 stars). 7 submissions from 7 submitters: Pathogenic (1); Likely pathogenic (5); Uncertain significance (1). Last evaluated 2025-10-02.

Conditions:
Classic homocystinuria. Also called: Homocystinuria due to CBS deficiency; Cystathionine beta-synthase deficiency; CBS deficiency; HOMOCYSTINURIA WITH OR WITHOUT RESPONSE TO PYRIDOXINE; Homocystinuria due to Cystathionine Beta-Synthase Deficiency. Identifiers: Orphanet 394, MedGen C0751202, MONDO:0009352, OMIM 236200.
HYPERHOMOCYSTEINEMIA, THROMBOTIC, CBS-RELATED. Identifiers: MedGen C3150344, OMIM 236200.
Homocystinuria. Identifiers: MedGen C0019880, MONDO:0004737, HP:0002156.

Allele frequency attached by ClinVar (database versions not stated): ExAC 0.00001.

Submissions (7):

Myriad Genetics, Inc.
Classification: Uncertain significance for Classic homocystinuria. Last evaluated: 2025-10-02. Review status: criteria provided, single submitter. Criteria: Myriad Autosomal Dominant, Autosomal Recessive and X-Linked Classification Criteria (2023). Collection method: clinical testing. Allele origin: unknown.
Comment: NM_000071.2(CBS):c.869C>T(P290L) is a missense variant classified as a variant of uncertain significance in the context of homocystinuria, CBS-related. P290L has been observed in cases with relevant disease (PMID: 8803779, 24211323, 39839200). Relevant functional assessments of this variant are not available in the literature. P290L has not been observed in referenced population frequency databases. In summary, there is insufficient evidence to classify NM_000071.2(CBS):c.869C>T(P290L) as pathogenic or benign. Please note: this variant was assessed in the context of healthy population screening.

Natera, Inc.
Classification: Likely pathogenic for Homocystinuria due to cystathionine beta-synthase deficiency. Last evaluated: 2025-06-19. Review status: criteria provided, single submitter. Criteria: Natera Variant Classification Schema (03/2026). Collection method: clinical testing. Allele origin: germline.
Comment: The c.869C>T variant in CBS is a missense variant predicted to cause substitution of proline to leucine at amino acid 290. This variant is rare in the general population with a frequency below the threshold expected for the associated phenotype(s). This variant has been observed in one or more individuals affected with the associated recessive disease, as either homozygous or compound heterozygous with a second variant (PMID: 9587029, 37718464, 37718464). This variant has been identified in one or more affected individuals with a phenotype highly consistent with the associated gene (PMID:37718464). Computational prediction algorithms indicate this variant is likely to affect gene or protein function. Given the available evidence, this variant is classified as Likely Pathogenic.

Women's Health and Genetics/Laboratory Corporation of America, LabCorp
Classification: Likely pathogenic for Homocystinuria. Last evaluated: 2025-02-03. Review status: criteria provided, single submitter. Criteria: LabCorp Variant Classification Summary - May 2015. Collection method: clinical testing. Allele origin: germline.
Comment: Variant summary: CBS c.869C>T (p.Pro290Leu) results in a non-conservative amino acid change located in the Pyridoxal-phosphate dependent enzyme domain (IPR001926) of the encoded protein sequence. Five of five in-silico tools predict a damaging effect of the variant on protein function. The variant was absent in 241568 control chromosomes. c.869C>T has been reported in the simple heterozygous state or compound heterozygous state in the literature in individuals affected with clinical features of Homocystinuria (example, DeFranchis_1998, Karaca_2014, Sperandeo_1995, Sperandeo_1996), including at least 1 individual who carried a pathogenic variant in trans. At least one publication reports experimental evidence evaluating an impact on protein function. The most pronounced variant effect results in poor growth in an in vitro yeast model with or without high B6 supplementation (example, Mayfield, 2012). The following publications have been ascertained in the context of this evaluation (PMID: 9587029, 24211323, 22267502, 7564249, 8803779). ClinVar contains an entry for this variant (Variation ID: 1066972). Based on the evidence outlined above, the variant was classified as likely pathogenic.

Revvity Omics, Revvity
Classification: Likely pathogenic for Classic homocystinuria. Last evaluated: 2024-10-30. Review status: criteria provided, single submitter. Criteria: ACMG Guidelines, 2015. Collection method: clinical testing. Allele origin: germline.

Labcorp Genetics (formerly Invitae), Labcorp
Classification: Pathogenic for HYPERHOMOCYSTEINEMIA, THROMBOTIC, CBS-RELATED. Last evaluated: 2024-10-18. Review status: criteria provided, single submitter. Criteria: Invitae Variant Classification Sherloc (09022015). Collection method: clinical testing. Allele origin: germline.
Comment: This sequence change replaces proline, which is neutral and non-polar, with leucine, which is neutral and non-polar, at codon 290 of the CBS protein (p.Pro290Leu). This variant is not present in population databases (gnomAD no frequency). This missense change has been observed in individual(s) with homocystinuria (PMID: 7564249, 8803779). In at least one individual the data is consistent with being in trans (on the opposite chromosome) from a pathogenic variant. ClinVar contains an entry for this variant (Variation ID: 1066972). Invitae Evidence Modeling of protein sequence and biophysical properties (such as structural, functional, and spatial information, amino acid conservation, physicochemical variation, residue mobility, and thermodynamic stability) indicates that this missense variant is expected to disrupt CBS protein function with a positive predictive value of 95%. Experimental studies have shown that this missense change affects CBS function (PMID: 22267502). For these reasons, this variant has been classified as Pathogenic.

Baylor Genetics
Classification: Likely pathogenic for Classic homocystinuria. Last evaluated: 2024-03-20. Review status: criteria provided, single submitter. Criteria: ACMG Guidelines, 2015. Collection method: clinical testing. Allele origin: unknown.

CeGaT Center for Human Genetics Tuebingen
Classification: Likely pathogenic. Last evaluated: 2024-02-01. Review status: criteria provided, single submitter. Criteria: CeGaT Center For Human Genetics Tuebingen Variant Classification Criteria Version 2. Collection method: clinical testing. Allele origin: germline. Affected: yes. Observed: 1 variant allele.
Comment: CBS: PM2, PM3, PP4:Moderate, PS3:Supporting

Literature cited by the submitters: PubMed 24211323 (cited by Myriad Genetics, Inc. and Women's Health and Genetics/Laboratory Corporation of America, LabCorp); PubMed 39839200 (cited by Myriad Genetics, Inc.); PubMed 8803779 (cited by 3 submitters); PubMed 9587029 (cited by Natera, Inc. and Women's Health and Genetics/Laboratory Corporation of America, LabCorp); PubMed 37718464 (cited by Natera, Inc.); PubMed 22267502 (cited by Women's Health and Genetics/Laboratory Corporation of America, LabCorp and Labcorp Genetics (formerly Invitae), Labcorp); PubMed 7564249 (cited by Women's Health and Genetics/Laboratory Corporation of America, LabCorp and Labcorp Genetics (formerly Invitae), Labcorp).

NM_000071.3(CBS):c.869C>T (p.Pro290Leu)

Gene: CBS (cystathionine beta-synthase; minus strand). Cytogenetic location: 21q22.3.
Variant type: single nucleotide variant.
Coding change: c.869C>T on transcript NM_000071.3 (MANE Select); coding-DNA position 869, C replaced by T.
Protein change: p.Pro290Leu; replaces proline 290 with leucine.
Molecular consequence: missense variant.
Genome position (GRCh38, 1-based): chr21:43,063,038, G>A on the plus strand (C>T on the coding strand, the complement: CBS is on the minus strand). VCF-style: chr21-43063038-G-A. GRCh37 (hg19) VCF-style: chr21-44483148-G-A.
Other names: c.869C>T (NM_000071.2); c.869C>T, p.Pro290Leu (NM_001178008.3, NM_001178009.3, NM_001320298.2); c.554C>T, p.Pro185Leu (NM_001321072.1); short protein forms P185L, P290L.
Identifiers: ClinVar variation 1066972 (VCV001066972.35), dbSNP rs760912339, ClinGen allele CA321091497.